The following is an entry in ClinVar:

NM_001395656.1(ROBO2):c.*2712C>T

Gene: ROBO2 (roundabout guidance receptor 2; plus strand). Cytogenetic location: 3p12.3.
Variant type: single nucleotide variant.
Coding change: c.*2712C>T on transcript NM_001395656.1 (MANE Select); 2712 bases downstream of the stop codon, C replaced by T.
Molecular consequence: 3 prime UTR variant.
Genome position (GRCh38, 1-based): chr3:77,648,767, C>T. VCF-style: chr3-77648767-C-T. GRCh37 (hg19) VCF-style: chr3-77697918-C-T.
Other names: c.*2712C>T (NM_001128929.3, NM_001290039.2, NM_001290040.2 and 14 more transcripts); c.*2709C>T (NM_001378194.1, NM_001378196.1, NM_001378199.1 and 3 more transcripts).
Identifiers: ClinVar variation 903509 (VCV000903509.5), dbSNP rs147884634, ClinGen allele CA77534333.

ClinVar aggregate classification (germline): Benign (1 of 4 stars; one submission).

Conditions:
Vesicoureteral reflux 2 (VUR2). Identifiers: Orphanet 289365, MedGen C1970483, MONDO:0012573, OMIM 610878.

Allele frequency attached by ClinVar (database versions not stated): 1000 Genomes Project 30x 0.00094; 1000 Genomes Project 0.00120; TOPMed 0.00222.
gnomAD v4.1: 274 of 152,240 alleles (0.18%); highest among the groups gnomAD compares: African/African-American, 0.59%; 2 homozygotes.

Submission:

Illumina Laboratory Services, Illumina
Classification: Benign for Vesicoureteral reflux 2. Last evaluated: 2018-01-13. Review status: criteria provided, single submitter. Criteria: ICSL Variant Classification Criteria 13 December 2019. Collection method: clinical testing. Allele origin: germline.
Comment: This variant was observed in the ICSL laboratory as part of a predisposition screen in an ostensibly healthy population. It had not been previously curated by ICSL or reported in the Human Gene Mutation Database (HGMD: prior to June 1st, 2018), and was therefore a candidate for classification through an automated scoring system. Utilizing variant allele frequency, disease prevalence and penetrance estimates, and inheritance mode, an automated score was calculated to assess if this variant is too frequent to cause the disease. Based on the score and internal cut-off values, a variant classified as benign is not then subjected to further curation. The score for this variant resulted in a classification of benign for this disease.